The following is an entry in ClinVar:

NM_001267550.2(TTN):c.97464T>C (p.Ser32488=)

Genes: TTN (titin; minus strand), TTN-AS1 (TTN antisense RNA 1; plus strand). Cytogenetic location: 2q31.2.
Variant type: single nucleotide variant.
Coding change: c.97464T>C on transcript NM_001267550.2 (MANE Select); coding-DNA position 97464, T replaced by C.
Protein change: p.Ser32488=; no amino-acid change (serine 32488 retained).
Molecular consequence: synonymous variant. On other transcripts: non-coding transcript variant (1).
Genome position (GRCh38, 1-based): chr2:178,542,292, A>G on the plus strand (T>C on the coding strand, the complement: TTN is on the minus strand). VCF-style: chr2-178542292-A-G. GRCh37 (hg19) VCF-style: chr2-179407019-A-G.
Other names: c.92541T>C, p.Ser30847= (NM_001256850.1); c.89760T>C, p.Ser29920= (NM_133378.4); c.70269T>C, p.Ser23423= (NM_003319.4); c.70644T>C, p.Ser23548= (NM_133432.3); c.70845T>C, p.Ser23615= (NM_133437.4).
Identifiers: ClinVar variation 165695 (VCV000165695.29), dbSNP rs571147766, ClinGen allele CA178400.

ClinVar aggregate classification (germline): Benign/Likely benign. Review status: criteria provided, multiple submitters, no conflicts (2 of 4 stars). 10 submissions from 7 submitters: Benign (5); Likely benign (5). Last evaluated 2025-12-01.

Conditions:
Cardiovascular phenotype. Identifiers: MedGen CN230736.
Autosomal recessive limb-girdle muscular dystrophy type 2J (LGMDR10). Also called: Limb-girdle muscular dystrophy, type 2J; MUSCULAR DYSTROPHY, LIMB-GIRDLE, AUTOSOMAL RECESSIVE 10. Identifiers: Orphanet 140922, MedGen C1837342, MONDO:0012127, OMIM 608807.
Dilated cardiomyopathy 1G (CMD1G). Identifiers: Orphanet 154, MedGen C1858763, MONDO:0011400, OMIM 604145.
Myopathy, myofibrillar, 9, with early respiratory failure (MFM9). Also called: Hereditary myopathy with early respiratory failure; EDSTROM MYOPATHY; MYOPATHY, PROXIMAL, WITH EARLY RESPIRATORY MUSCLE INVOLVEMENT; Myopathy, distal, with early respiratory failure, autosomal dominant. Identifiers: Orphanet 178464, Orphanet 34521, MedGen C1863599, MONDO:0011362, OMIM 603689.
Early-onset myopathy with fatal cardiomyopathy (CMYO5). Also called: Salih Myopathy; CONGENITAL MYOPATHY 5 WITH CARDIOMYOPATHY. Identifiers: Orphanet 289377, MedGen C2673677, MONDO:0012714, OMIM 611705. Disease mechanism: loss of function.
Tibial muscular dystrophy (TMD). Also called: Udd Distal Myopathy – Tibial Muscular Dystrophy; UDD MYOPATHY; Tibial muscular dystrophy, tardive. Identifiers: Orphanet 609, MedGen C1838244, MONDO:0010870, OMIM 600334.

Allele frequency attached by ClinVar (database versions not stated): gnomAD 0.00004 and 0.00005; gnomAD exomes 0.00004 and 0.00017; TOPMed 0.00009; 1000 Genomes Project 30x 0.00016; 1000 Genomes Project 0.00020; ExAC 0.00022.
gnomAD v4.1: 61 of 1,611,442 alleles (0.0038%); highest among the groups gnomAD compares: East Asian, 0.13%; no homozygotes.

Submissions (10):

Labcorp Genetics (formerly Invitae), Labcorp
Classification: Benign for Dilated cardiomyopathy 1G; Autosomal recessive limb-girdle muscular dystrophy type 2J. Last evaluated: 2025-12-01. Review status: criteria provided, single submitter. Criteria: Invitae Variant Classification Sherloc (09022015). Collection method: clinical testing. Allele origin: germline.

Molecular Diagnostic Laboratory for Inherited Cardiovascular Disease, Montreal Heart Institute
Classification: Likely benign. Last evaluated: 2025-04-09. Review status: criteria provided, single submitter. Criteria: ACMG Guidelines, 2015. Collection method: clinical testing. Allele origin: germline. Affected: no.

Blueprint Genetics
Classification: Likely benign. Last evaluated: 2024-10-08. Review status: criteria provided, single submitter. Criteria: ACMG Guidelines, 2015. Collection method: clinical testing. Allele origin: germline.

Genome-Nilou Lab
Classification: Benign for Autosomal recessive limb-girdle muscular dystrophy type 2J. Last evaluated: 2021-09-10. Review status: criteria provided, single submitter. Criteria: ACMG Guidelines, 2015. Collection method: clinical testing. Allele origin: germline. Affected: no.

Genome-Nilou Lab
Classification: Benign for Myopathy, myofibrillar, 9, with early respiratory failure. Last evaluated: 2021-09-10. Review status: criteria provided, single submitter. Criteria: ACMG Guidelines, 2015. Collection method: clinical testing. Allele origin: germline. Affected: no.

Genome-Nilou Lab
Classification: Benign for Early-onset myopathy with fatal cardiomyopathy. Last evaluated: 2021-09-10. Review status: criteria provided, single submitter. Criteria: ACMG Guidelines, 2015. Collection method: clinical testing. Allele origin: germline. Affected: no.

Genome-Nilou Lab
Classification: Benign for Tibial muscular dystrophy. Last evaluated: 2021-09-10. Review status: criteria provided, single submitter. Criteria: ACMG Guidelines, 2015. Collection method: clinical testing. Allele origin: germline. Affected: no.

Ambry Genetics
Classification: Likely benign for Cardiovascular phenotype. Last evaluated: 2019-06-17. Review status: criteria provided, single submitter. Criteria: Ambry Variant Classification Scheme 2023. Collection method: clinical testing. Allele origin: germline.

GeneDx
Classification: Likely benign. Last evaluated: 2016-11-15. Review status: criteria provided, single submitter. Criteria: GeneDx Variant Classification (06012015). Collection method: clinical testing. Allele origin: germline. Affected: yes.
Comment: This variant is considered likely benign or benign based on one or more of the following criteria: it is a conservative change, it occurs at a poorly conserved position in the protein, it is predicted to be benign by multiple in silico algorithms, and/or has population frequency not consistent with disease.

Laboratory for Molecular Medicine, Mass General Brigham Personalized Medicine
Classification: Likely benign. Last evaluated: 2014-07-22. Review status: criteria provided, single submitter. Criteria: LMM Criteria. Collection method: clinical testing. Allele origin: germline. Observed: 1 variant allele.
Comment: Ser29920Ser in exon 298 of TTN: This variant is not expected to have clinical si gnificance because it does not alter an amino acid residue and is not located wi thin the splice consensus sequence.